The following is an entry in ClinVar:

ClinVar aggregate classification (germline): Uncertain significance. Review status: criteria provided, multiple submitters, no conflicts (2 of 4 stars). 2 submissions from 2 submitters: Uncertain significance (2). Last evaluated 2025-02-19.

Conditions:
Inborn genetic diseases. Identifiers: MedGen C0950123, MeSH D030342.

Allele frequency attached by ClinVar (database versions not stated): ExAC 0.00002.
gnomAD v4.1: 5 of 1,613,202 alleles (0.00031%); highest among the groups gnomAD compares: Admixed American, 0.0083%; no homozygotes.

Submissions (2):

Ambry Genetics
Classification: Uncertain significance for Inborn genetic diseases. Last evaluated: 2025-02-19. Review status: criteria provided, single submitter. Criteria: Ambry Variant Classification Scheme 2023. Collection method: clinical testing. Allele origin: germline.

Labcorp Genetics (formerly Invitae), Labcorp
Classification: Uncertain significance. Last evaluated: 2024-10-16. Review status: criteria provided, single submitter. Criteria: Invitae Variant Classification Sherloc (09022015). Collection method: clinical testing. Allele origin: germline.
Comment: This sequence change replaces proline, which is neutral and non-polar, with serine, which is neutral and polar, at codon 1144 of the LAMA1 protein (p.Pro1144Ser). This variant is present in population databases (rs754574679, gnomAD 0.01%). This variant has not been reported in the literature in individuals affected with LAMA1-related conditions. ClinVar contains an entry for this variant (Variation ID: 1905548). Invitae Evidence Modeling of protein sequence and biophysical properties (such as structural, functional, and spatial information, amino acid conservation, physicochemical variation, residue mobility, and thermodynamic stability) indicates that this missense variant is not expected to disrupt LAMA1 protein function with a negative predictive value of 80%. In summary, the available evidence is currently insufficient to determine the role of this variant in disease. Therefore, it has been classified as a Variant of Uncertain Significance.

NM_005559.4(LAMA1):c.3430C>T (p.Pro1144Ser)

Gene: LAMA1 (laminin subunit alpha 1; minus strand). Cytogenetic location: 18p11.31.
Variant type: single nucleotide variant.
Coding change: c.3430C>T on transcript NM_005559.4 (MANE Select); coding-DNA position 3430, C replaced by T.
Protein change: p.Pro1144Ser; replaces proline 1144 with serine.
Molecular consequence: missense variant.
Genome position (GRCh38, 1-based): chr18:7,012,072, G>A on the plus strand (C>T on the coding strand, the complement: LAMA1 is on the minus strand). VCF-style: chr18-7012072-G-A. GRCh37 (hg19) VCF-style: chr18-7012071-G-A.
Other names: c.3430C>T (NM_005559.3); short protein forms P1144S.
Identifiers: ClinVar variation 1905548 (VCV001905548.6), dbSNP rs754574679, ClinGen allele CA8882291.